The following is an entry in ClinVar:

NM_152416.3(NDUFAF6):c.[328G>T];[611C>T]

Variant type: CompoundHeterozygote.
Identifiers: ClinVar variation 430874 (VCV000430874.2).

ClinVar aggregate classification (germline): Pathogenic (0 of 4 stars; one submission).

Conditions:
Leigh syndrome (NULS). Also called: Leigh's syndrome; Leigh Syndrome (mtDNA deletion); Leigh Disease; Subacute necrotizing encephalopathy; Necrotizing encephalopathy infantile subacute of Leigh; Leigh's disease. Identifiers: Orphanet 506, MedGen C2931891, MONDO:0009723, OMIM 256000.

Submission:

Foundation for Research in Genetics and Endocrinology, FRIGE's Institute of Human Genetics
Classification: Pathogenic for Leigh syndrome. Last evaluated: 2017-01-06. Review status: no assertion criteria provided. Collection method: clinical testing. Allele origin: germline. Inheritance: Autosomal recessive inheritance. Affected: yes. Observed: 1 variant allele, 1 compound heterozygote.
Comment: The observed variant is not reported in 1000 genome database and is likely to be pathogenic by online software like Mutation taster and SIFT.